The following is an entry in ClinVar:

ClinVar aggregate classification (germline): Uncertain significance. Review status: reviewed by expert panel (3 of 4 stars). 2 submissions from 2 submitters: Uncertain significance (1). 1 of the submissions does not count toward it. Last evaluated 2025-08-01.

Conditions:
Malignant hyperthermia, susceptibility to, 1 (MHS1). Also called: RYR1-Related Malignant Hyperthermia Susceptibility; Malignant hyperthermia suceptibility 1; Anesthesia related hyperthermia; Malignant hyperpyrexia; Fulminating hyperpyrexia; Pharmacogenic myopathy. Identifiers: Orphanet 423, MedGen C2930980, MONDO:0007783, OMIM 145600.

Submissions (2):

ClinGen Malignant Hyperthermia Susceptibility Variant Curation Expert Panel, ClinGen
Classification: Uncertain significance for Malignant hyperthermia, susceptibility to, 1. Last evaluated: 2025-08-01. Review status: reviewed by expert panel. Criteria: RYR1-MHS Interpretation Guidelines V2. Collection method: curation. Allele origin: germline. Inheritance: Autosomal dominant inheritance.
Comment: This pathogenicity assessment is relevant only for malignant hyperthermia susceptibility (MHS) inherited in an autosomal dominant pattern. Variants in RYR1 can also cause other myopathies inherited in an autosomal dominant pattern or in an autosomal recessive pattern. Some of these disorders may predispose individuals to malignant hyperthermia. RYR1 variants may also contribute to a malignant hyperthermia reaction in combination with other genetic and non-genetic factors and the clinician needs to consider such factors in making management decisions. This sequence variant predicts a substitution of glutamic acid with glycine at codon 2362 of the RYR1 protein, p.(Glu2362Gly). This variant was not present in a large population database (gnomAD) at the time this variant was interpreted. This variant has been reported in an individual with a personal or family history of an MH episode and a positive in vitro contracture test (IVCT) or caffeine halothane contracture test (CHCT) result (if the proband was unavailable for testing, a positive diagnostic test result in a mutation-positive relative was counted), PS4_Supporting (PMID:24433488). No functional studies were identified for this variant. Another variant assessed as likely pathogenic occurs at this codon, p.(Glu2362Lys), PM5_Supporting. This variant resides in a region of RYR1 considered to be a hotspot for pathogenic variants that contribute to MHS, PM1 (PMID: 21118704). A REVEL score >0.85 (0.944) supports a pathogenic status for this variant, PP3_Moderate. This variant has been classified as a Variant of Unknown Significance. Criteria implemented: PS4_Supporting, PM1_Supporting, PM5_Supporting, PP3_Moderate.

RYR1 database
No classification provided. Review status: no classification provided. Collection method: not provided. Allele origin: unknown. Not counted in ClinVar's aggregate classification.

NM_000540.3(RYR1):c.7085A>G (p.Glu2362Gly)

Gene: RYR1 (ryanodine receptor 1; plus strand). Cytogenetic location: 19q13.2.
Variant type: single nucleotide variant.
Coding change: c.7085A>G on transcript NM_000540.3 (MANE Select); coding-DNA position 7085, A replaced by G.
Protein change: p.Glu2362Gly; replaces glutamic acid 2362 with glycine.
Molecular consequence: missense variant.
Genome position (GRCh38, 1-based): chr19:38,499,692, A>G. VCF-style: chr19-38499692-A-G. GRCh37 (hg19) VCF-style: chr19-38990332-A-G.
Other names: NM_000540.2(RYR1):c.7085A>G; p.Glu2362Gly; c.7085A>G, p.Glu2362Gly (NM_001042723.2); short protein forms E2362G.
Identifiers: ClinVar variation 133184 (VCV000133184.5), dbSNP rs193922804, ClinGen allele CA024696.
Genomic context (GRCh38, chr19:38,499,692, plus strand): 5'-CAGGCGAGAGCGTGGAGGAGAACGCCAATGTGGTGGTGCGGCTGCTCATCCGGAAGCCTG[A>G]GTGCTTCGGACCCGCCCTGCGGGGTGAGGGTGGCTCAGGGCTGCTGGCTGCCATCGAAGA-3'
Protein context (NP_000531.2, residues 2352-2372): VVVRLLIRKP[Glu2362Gly]CFGPALRGEG